The following is an entry in ClinVar:

NM_000038.6(APC):c.1826del (p.Val609fs)

Gene: APC (APC regulator of Wnt signaling pathway; plus strand). Cytogenetic location: 5q22.2.
Variant type: Deletion.
Coding change: c.1826del on transcript NM_000038.6 (MANE Select); coding-DNA position 1826, one base deleted (T; older notation c.1826delT).
Protein change: p.Val609fs; shifts the reading frame from valine 609.
Molecular consequence: frameshift variant.
Genome position (GRCh38, 1-based): chr5:112,835,033, T deleted. VCF-style (leftmost placement, unchanged base first): chr5-112835032-GT-G. GRCh37 (hg19) VCF-style: chr5-112170729-GT-G.
Other names: c.1826del, p.Val609fs (NM_001127510.3, NM_001354895.2); c.1772del, p.Val591fs (NM_001127511.3); c.1880del, p.Val627fs (NM_001354896.2); c.1856del, p.Val619fs (NM_001354897.2); c.1751del, p.Val584fs (NM_001354898.2); c.1742del, p.Val581fs (NM_001354899.2); c.1703del, p.Val568fs (NM_001354900.2); c.1649del, p.Val550fs (NM_001354901.2); and 5 more; short protein forms V326fs, V449fs, V483fs, V508fs, V518fs, V550fs, V568fs, V581fs.
Identifiers: ClinVar variation 1070909 (VCV001070909.46), dbSNP rs2149842140, ClinGen allele CA2499217461.

ClinVar aggregate classification (germline): Pathogenic (1 of 4 stars; one submission).

Conditions:
Familial adenomatous polyposis 1 (FAP1). Also called: POLYPOSIS, ADENOMATOUS INTESTINAL; FAMILIAL ADENOMATOUS POLYPOSIS 1, ATTENUATED. Identifiers: MedGen C2713442, MONDO:0021056, OMIM 175100. Disease mechanism: loss of function.

Submission:

Labcorp Genetics (formerly Invitae), Labcorp
Classification: Pathogenic for Familial adenomatous polyposis 1. Last evaluated: 2021-09-08. Review status: criteria provided, single submitter. Criteria: Invitae Variant Classification Sherloc (09022015). Collection method: clinical testing. Allele origin: germline.
Comment: For these reasons, this variant has been classified as Pathogenic. ClinVar contains an entry for this variant (Variation ID: 1070909). This variant has not been reported in the literature in individuals affected with APC-related conditions. This variant is not present in population databases (ExAC no frequency). This sequence change creates a premature translational stop signal (p.Val609Glufs*21) in the APC gene. It is expected to result in an absent or disrupted protein product. Loss-of-function variants in APC are known to be pathogenic (PMID: 17963004, 20685668).

Literature cited by the submitters: PubMed 17963004; PubMed 20685668.